The following is an entry in ClinVar:

ClinVar aggregate classification (germline): Uncertain significance (1 of 4 stars; one submission).

Conditions:
Hereditary cancer-predisposing syndrome. Also called: Neoplastic Syndromes, Hereditary; Tumor predisposition; Hereditary Cancer Syndrome; Hereditary neoplastic syndrome. Identifiers: Orphanet 140162, MedGen C0027672, MeSH D009386, MONDO:0015356.

Submission:

Ambry Genetics
Classification: Uncertain significance for Hereditary cancer-predisposing syndrome. Last evaluated: 2026-02-24. Review status: criteria provided, single submitter. Criteria: Ambry Variant Classification Scheme 2023. Collection method: clinical testing. Allele origin: germline.
Comment: The p.D167Y variant (also known as c.499G>T), located in coding exon 1 of the AXIN2 gene, results from a G to T substitution at nucleotide position 499. The aspartic acid at codon 167 is replaced by tyrosine, an amino acid with highly dissimilar properties. This amino acid position is conserved. In addition, the in silico prediction for this alteration is inconclusive. Based on the available evidence, the clinical significance of this variant remains unclear.

NM_004655.4(AXIN2):c.499G>T (p.Asp167Tyr)

Gene: AXIN2 (axin 2; minus strand). Cytogenetic location: 17q24.1.
Variant type: single nucleotide variant.
Coding change: c.499G>T on transcript NM_004655.4 (MANE Select); coding-DNA position 499, G replaced by T.
Protein change: p.Asp167Tyr; replaces aspartic acid 167 with tyrosine.
Molecular consequence: missense variant.
Genome position (GRCh38, 1-based): chr17:65,558,122, C>A on the plus strand (G>T on the coding strand, the complement: AXIN2 is on the minus strand). VCF-style: chr17-65558122-C-A. GRCh37 (hg19) VCF-style: chr17-63554240-C-A.
Other names: c.499G>T, p.Asp167Tyr (NM_001363813.1); short protein forms D167Y.
Identifiers: ClinVar variation 4826939 (VCV004826939.1).